The following is an entry in ClinVar:

ClinVar aggregate classification (germline): Uncertain significance (1 of 4 stars; one submission).

Submission:

Labcorp Genetics (formerly Invitae), Labcorp
Classification: Uncertain significance. Last evaluated: 2024-06-13. Review status: criteria provided, single submitter. Criteria: Invitae Variant Classification Sherloc (09022015). Collection method: clinical testing. Allele origin: germline.
Comment: This sequence change replaces glycine, which is neutral and non-polar, with glutamic acid, which is acidic and polar, at codon 1868 of the RAI1 protein (p.Gly1868Glu). This variant is not present in population databases (gnomAD no frequency). This variant has not been reported in the literature in individuals affected with RAI1-related conditions. Advanced modeling of protein sequence and biophysical properties (such as structural, functional, and spatial information, amino acid conservation, physicochemical variation, residue mobility, and thermodynamic stability) has been performed at Invitae for this missense variant, however the output from this modeling did not meet the statistical confidence thresholds required to predict the impact of this variant on RAI1 protein function. In summary, the available evidence is currently insufficient to determine the role of this variant in disease. Therefore, it has been classified as a Variant of Uncertain Significance.

NM_030665.4(RAI1):c.5603G>A (p.Gly1868Glu)

Gene: RAI1 (retinoic acid induced 1; plus strand). Cytogenetic location: 17p11.2.
Variant type: single nucleotide variant.
Coding change: c.5603G>A on transcript NM_030665.4 (MANE Select); coding-DNA position 5603, G replaced by A.
Protein change: p.Gly1868Glu; replaces glycine 1868 with glutamic acid.
Molecular consequence: missense variant.
Genome position (GRCh38, 1-based): chr17:17,803,793, G>A. VCF-style: chr17-17803793-G-A. GRCh37 (hg19) VCF-style: chr17-17707107-G-A.
Other names: short protein forms G1868E.
Identifiers: ClinVar variation 3699458 (VCV003699458.2).